The following is an entry in ClinVar:

ClinVar aggregate classification (germline): Likely benign (0 of 4 stars; one submission).

Conditions:
ANK3-related disorder. Also called: ANK3-related condition.

Allele frequency attached by ClinVar (database versions not stated): gnomAD 0.00001; ExAC 0.00002.
gnomAD v4.1: 25 of 1,613,930 alleles (0.0015%); highest among the groups gnomAD compares: Middle Eastern, 0.049%; no homozygotes.

Submission:

PreventionGenetics, part of Exact Sciences
Classification: Likely benign for ANK3-related condition. Last evaluated: 2021-09-23. Review status: no assertion criteria provided. Collection method: clinical testing. Allele origin: germline.
Comment: This variant is classified as likely benign based on ACMG/AMP sequence variant interpretation guidelines (Richards et al. 2015 PMID: 25741868, with internal and published modifications).

NM_020987.5(ANK3):c.9939C>T (p.Asp3313=)

Gene: ANK3 (ankyrin 3; minus strand). Cytogenetic location: 10q21.2.
Variant type: single nucleotide variant.
Coding change: c.9939C>T on transcript NM_020987.5 (MANE Select); coding-DNA position 9939, C replaced by T.
Protein change: p.Asp3313=; no amino-acid change (aspartic acid 3313 retained).
Molecular consequence: synonymous variant. On other transcripts: intron variant (4).
Genome position (GRCh38, 1-based): chr10:60,070,942, G>A on the plus strand (C>T on the coding strand, the complement: ANK3 is on the minus strand). VCF-style: chr10-60070942-G-A. GRCh37 (hg19) VCF-style: chr10-61830700-G-A.
Other names: c.4388-2933C>T (NM_001204403.2); c.4409-2933C>T (NM_001204404.2); c.4406-2933C>T (NM_001320874.2); c.1808-2933C>T (NM_001149.4).
Identifiers: ClinVar variation 3031807 (VCV003031807.2), dbSNP rs765015032, ClinGen allele CA5511311.
Genomic context (GRCh38, chr10:60,070,942, plus strand): 5'-GGTATATTTTTTAACTGGGACTGGCTGATAAATAGATTCGTCATCGCTTGAATCACTGAC[G>A]TCTGCCCCGGGAGGAACTGGTGAAGGTGGCTGCACTCTAATGACAGGTTCAGCCAGCTGG-3'
Protein context (NP_066267.2, residues 3303-3323): QPPSPVPPGA[Asp3313=]VSDSSDDESI